The following is an entry in ClinVar:

NM_001297595.2(SIN3B):c.2901C>T (p.Gly967=)

Gene: SIN3B (SIN3 transcription regulator family member B; plus strand). Cytogenetic location: 19p13.11.
Variant type: single nucleotide variant.
Coding change: c.2901C>T on transcript NM_001297595.2 (MANE Select); coding-DNA position 2901, C replaced by T.
Protein change: p.Gly967=; no amino-acid change (glycine 967 retained).
Molecular consequence: synonymous variant.
Genome position (GRCh38, 1-based): chr19:16,877,586, C>T. VCF-style: chr19-16877586-C-T. GRCh37 (hg19) VCF-style: chr19-16988397-C-T.
Other names: c.1671C>T, p.Gly557= (NM_001297597.2); c.2997C>T, p.Gly999= (NM_015260.4).
Identifiers: ClinVar variation 4979361 (VCV004979361.1).

ClinVar aggregate classification (germline): Likely benign (1 of 4 stars; one submission).

Conditions:
SIN3B-related disorder. Also called: SIN3B-related condition.

Submission:

PreventionGenetics, part of Exact Sciences
Classification: Likely benign for SIN3B-related condition. Last evaluated: 2025-11-25. Review status: criteria provided, single submitter. Criteria: ACMG Guidelines, 2015. Collection method: clinical testing. Allele origin: germline.
Comment: This variant is classified as likely benign based on ACMG/AMP sequence variant interpretation guidelines (Richards et al. 2015 PMID: 25741868, with internal and published modifications).